The following is an entry in ClinVar:

ClinVar aggregate classification (germline): Uncertain significance. Review status: criteria provided, multiple submitters, no conflicts (2 of 4 stars). 5 submissions from 5 submitters: Uncertain significance (5). Last evaluated 2024-10-30.

Conditions:
Familial dysfibrinogenemia. Also called: Dysfibrinogenemia, congenital. Identifiers: Orphanet 335, Orphanet 98881, MedGen C0272350, MONDO:0014452, OMIM 616004.
Congenital afibrinogenemia. Identifiers: Orphanet 335, Orphanet 98880, MedGen C2584774, MONDO:0008737, OMIM 202400.

Allele frequency attached by ClinVar (database versions not stated): ExAC 0.00002; gnomAD exomes 0.00003; TOPMed 0.00008.
gnomAD v4.1: 93 of 1,604,566 alleles (0.0058%); highest among the groups gnomAD compares: Non-Finnish European, 0.0072%; no homozygotes.

Submissions (5):

Labcorp Genetics (formerly Invitae), Labcorp
Classification: Uncertain significance. Last evaluated: 2024-10-30. Review status: criteria provided, single submitter. Criteria: Invitae Variant Classification Sherloc (09022015). Collection method: clinical testing. Allele origin: germline.
Comment: This sequence change replaces glutamic acid, which is acidic and polar, with glycine, which is neutral and non-polar, at codon 250 of the FGB protein (p.Glu250Gly). This variant is present in population databases (rs759800033, gnomAD 0.01%). This variant has not been reported in the literature in individuals affected with FGB-related conditions. ClinVar contains an entry for this variant (Variation ID: 902861). Invitae Evidence Modeling of protein sequence and biophysical properties (such as structural, functional, and spatial information, amino acid conservation, physicochemical variation, residue mobility, and thermodynamic stability) indicates that this missense variant is not expected to disrupt FGB protein function with a negative predictive value of 80%. In summary, the available evidence is currently insufficient to determine the role of this variant in disease. Therefore, it has been classified as a Variant of Uncertain Significance.

Blueprint Genetics
Classification: Uncertain significance. Last evaluated: 2023-04-05. Review status: criteria provided, single submitter. Criteria: ACMG Guidelines, 2015. Collection method: clinical testing. Allele origin: germline.

Centre of Medical Genetics, University Hospital Muenster
Classification: Uncertain significance for Familial dysfibrinogenemia. Last evaluated: 2022-03-31. Review status: criteria provided, single submitter. Criteria: ACMG Guidelines, 2015. Collection method: clinical testing. Allele origin: germline. Affected: yes. Observed: 1 variant allele, 1 heterozygote.
Comment: ACMG categories: PM2,PP3

CeGaT Center for Human Genetics Tuebingen
Classification: Uncertain significance. Last evaluated: 2022-02-01. Review status: criteria provided, single submitter. Criteria: CeGaT Center For Human Genetics Tuebingen Variant Classification Criteria Version 2. Collection method: clinical testing. Allele origin: germline. Affected: yes. Observed: 1 variant allele.

Illumina Laboratory Services, Illumina
Classification: Uncertain significance for Congenital afibrinogenemia. Last evaluated: 2017-04-28. Review status: criteria provided, single submitter. Criteria: ICSL Variant Classification Criteria 13 December 2019. Collection method: clinical testing. Allele origin: germline.

NM_005141.5(FGB):c.749A>G (p.Glu250Gly)

Gene: FGB (fibrinogen beta chain; plus strand). Cytogenetic location: 4q31.3.
Variant type: single nucleotide variant.
Coding change: c.749A>G on transcript NM_005141.5 (MANE Select); coding-DNA position 749, A replaced by G.
Protein change: p.Glu250Gly; replaces glutamic acid 250 with glycine.
Molecular consequence: missense variant.
Genome position (GRCh38, 1-based): chr4:154,568,411, A>G. VCF-style: chr4-154568411-A-G. GRCh37 (hg19) VCF-style: chr4-155489563-A-G.
Other names: c.572A>G, p.Glu191Gly (NM_001184741.1); short protein forms E191G, E250G.
Identifiers: ClinVar variation 902861 (VCV000902861.42), dbSNP rs759800033, ClinGen allele CA3114619.